The following is an entry in ClinVar:

NM_015295.3(SMCHD1):c.3053G>T (p.Cys1018Phe)

Gene: SMCHD1 (structural maintenance of chromosomes flexible hinge domain containing 1; plus strand). Cytogenetic location: 18p11.32.
Variant type: single nucleotide variant.
Coding change: c.3053G>T on transcript NM_015295.3 (MANE Select); coding-DNA position 3053, G replaced by T.
Protein change: p.Cys1018Phe; replaces cysteine 1018 with phenylalanine.
Molecular consequence: missense variant.
Genome position (GRCh38, 1-based): chr18:2,732,269, G>T. VCF-style: chr18-2732269-G-T. GRCh37 (hg19) VCF-style: chr18-2732267-G-T.
Other names: short protein forms C1018F.
Identifiers: ClinVar variation 2004631 (VCV002004631.4), dbSNP rs2510090552, ClinGen allele CA401685451.

ClinVar aggregate classification (germline): Uncertain significance (1 of 4 stars; one submission).

Conditions:
Facioscapulohumeral muscular dystrophy 2 (FSHD2). Also called: MUSCULAR DYSTROPHY, FACIOSCAPULOHUMERAL, TYPE 1B; FACIOSCAPULOHUMERAL MUSCULAR DYSTROPHY 2, DIGENIC; FSHD2, DIGENIC. Identifiers: Orphanet 269, MedGen C1834671, MONDO:0008031, OMIM 158901.

Submission:

Labcorp Genetics (formerly Invitae), Labcorp
Classification: Uncertain significance for Facioscapulohumeral muscular dystrophy 2. Last evaluated: 2023-08-04. Review status: criteria provided, single submitter. Criteria: Invitae Variant Classification Sherloc (09022015). Collection method: clinical testing. Allele origin: germline.
Comment: In summary, the available evidence is currently insufficient to determine the role of this variant in disease. Therefore, it has been classified as a Variant of Uncertain Significance. Advanced modeling of protein sequence and biophysical properties (such as structural, functional, and spatial information, amino acid conservation, physicochemical variation, residue mobility, and thermodynamic stability) performed at Invitae indicates that this missense variant is not expected to disrupt SMCHD1 protein function. ClinVar contains an entry for this variant (Variation ID: 2004631). This variant has not been reported in the literature in individuals affected with SMCHD1-related conditions. This variant is not present in population databases (gnomAD no frequency). This sequence change replaces cysteine, which is neutral and slightly polar, with phenylalanine, which is neutral and non-polar, at codon 1018 of the SMCHD1 protein (p.Cys1018Phe).